The following is an entry in ClinVar:

NM_005676.5(RBM10):c.788G>A (p.Arg263Gln)

Genes: RBM10 (RNA binding motif protein 10; plus strand), LOC126863252 (CDK7 strongly-dependent group 2 enhancer GRCh37_chrX:47037923-47039122; plus strand). Cytogenetic location: Xp11.3.
Variant type: single nucleotide variant.
Coding change: c.788G>A on transcript NM_005676.5 (MANE Select); coding-DNA position 788, G replaced by A.
Protein change: p.Arg263Gln; replaces arginine 263 with glutamine.
Molecular consequence: missense variant.
Genome position (GRCh38, 1-based): chrX:47,179,382, G>A. VCF-style: chrX-47179382-G-A. GRCh37 (hg19) VCF-style: chrX-47038781-G-A.
Other names: c.557G>A, p.Arg186Gln (NM_001204466.2, NM_152856.3); c.788G>A, p.Arg263Gln (NM_001204467.2); c.983G>A, p.Arg328Gln (NM_001204468.2); short protein forms R263Q, R186Q, R328Q.
Identifiers: ClinVar variation 3691151 (VCV003691151.2).

ClinVar aggregate classification (germline): Uncertain significance (1 of 4 stars; one submission).

Submission:

Labcorp Genetics (formerly Invitae), Labcorp
Classification: Uncertain significance. Last evaluated: 2024-08-27. Review status: criteria provided, single submitter. Criteria: Invitae Variant Classification Sherloc (09022015). Collection method: clinical testing. Allele origin: germline.
Comment: This sequence change replaces arginine, which is basic and polar, with glutamine, which is neutral and polar, at codon 263 of the RBM10 protein (p.Arg263Gln). The frequency data for this variant in the population databases is considered unreliable, as metrics indicate poor data quality at this position in the gnomAD database. This variant has not been reported in the literature in individuals affected with RBM10-related conditions. An algorithm developed to predict the effect of missense changes on protein structure and function (PolyPhen-2) suggests that this variant is likely to be tolerated. In summary, the available evidence is currently insufficient to determine the role of this variant in disease. Therefore, it has been classified as a Variant of Uncertain Significance.